The following is an entry in ClinVar:

ClinVar aggregate classification (germline): Benign/Likely benign. Review status: criteria provided, multiple submitters, no conflicts (2 of 4 stars). 4 submissions from 4 submitters: Benign (1); Likely benign (2). 1 of the submissions does not count toward it. Last evaluated 2026-09-01.

Conditions:
NECTIN4-related disorder. Also called: NECTIN4-related condition.

Allele frequency attached by ClinVar (database versions not stated): 1000 Genomes Project 0.00040; 1000 Genomes Project 30x 0.00062; TOPMed 0.00224; gnomAD exomes 0.00230 and 0.00353; gnomAD 0.00246 and 0.00249; ExAC 0.00248; ESP Exome Variant Server 0.00292.
gnomAD v4.1: 5,527 of 1,613,246 alleles (0.34%); highest among the groups gnomAD compares: Non-Finnish European, 0.41%; 11 homozygotes.

Submissions (29):

CeGaT Center for Human Genetics Tuebingen
Classification: Likely benign. Last evaluated: 2026-09-01. Review status: criteria provided, single submitter. Criteria: CeGaT Center For Human Genetics Tuebingen Variant Classification Criteria Version 2. Collection method: clinical testing. Allele origin: germline. Affected: yes. Observed: 3 variant alleles.
Comment: NECTIN4: BP4

Labcorp Genetics (formerly Invitae), Labcorp
Classification: Benign. Last evaluated: 2025-12-17. Review status: criteria provided, single submitter. Criteria: Invitae Variant Classification Sherloc (09022015). Collection method: clinical testing. Allele origin: germline.

Blueprint Genetics
Classification: Likely benign. Last evaluated: 2024-11-19. Review status: criteria provided, single submitter. Criteria: ACMG Guidelines, 2015. Collection method: clinical testing. Allele origin: germline.

PreventionGenetics, part of Exact Sciences
Classification: Likely benign for NECTIN4-related condition. Last evaluated: 2020-02-10. Review status: no assertion criteria provided. Collection method: clinical testing. Allele origin: germline. Not counted in ClinVar's aggregate classification.
Comment: This variant is classified as likely benign based on ACMG/AMP sequence variant interpretation guidelines (Richards et al. 2015 PMID: 25741868, with internal and published modifications).

Dr. Peter K. Rogan Lab, Western University
No classification provided (evidence only). Condition: Clear cell carcinoma of kidney. Review status: no classification provided. Collection method: in vitro. Allele origin: not applicable. Functional consequence: retained intron. Not counted in ClinVar's aggregate classification.

Dr. Peter K. Rogan Lab, Western University
No classification provided (evidence only). Condition: Lung cancer. Review status: no classification provided. Collection method: in vitro. Allele origin: not applicable. Functional consequence: retained intron. Not counted in ClinVar's aggregate classification.

Dr. Peter K. Rogan Lab, Western University
No classification provided (evidence only). Condition: Familial cancer of breast. Review status: no classification provided. Collection method: in vitro. Allele origin: not applicable. Functional consequence: retained intron. Not counted in ClinVar's aggregate classification.

Dr. Peter K. Rogan Lab, Western University
No classification provided (evidence only). Condition: Familial cancer of breast. Review status: no classification provided. Collection method: in vitro. Allele origin: not applicable. Functional consequence: retained intron. Not counted in ClinVar's aggregate classification.

Dr. Peter K. Rogan Lab, Western University
No classification provided (evidence only). Condition: Familial cancer of breast. Review status: no classification provided. Collection method: in vitro. Allele origin: not applicable. Functional consequence: retained intron. Not counted in ClinVar's aggregate classification.

Dr. Peter K. Rogan Lab, Western University
No classification provided (evidence only). Condition: Familial cancer of breast. Review status: no classification provided. Collection method: in vitro. Allele origin: not applicable. Functional consequence: retained intron. Not counted in ClinVar's aggregate classification.

Dr. Peter K. Rogan Lab, Western University
No classification provided (evidence only). Condition: Colon adenocarcinoma. Review status: no classification provided. Collection method: in vitro. Allele origin: not applicable. Functional consequence: retained intron. Not counted in ClinVar's aggregate classification.

Dr. Peter K. Rogan Lab, Western University
No classification provided (evidence only). Condition: Thyroid cancer, nonmedullary, 1. Review status: no classification provided. Collection method: in vitro. Allele origin: not applicable. Functional consequence: retained intron. Not counted in ClinVar's aggregate classification.

Dr. Peter K. Rogan Lab, Western University
No classification provided (evidence only). Condition: Uterine corpus endometrial carcinoma. Review status: no classification provided. Collection method: in vitro. Allele origin: not applicable. Functional consequence: retained intron. Not counted in ClinVar's aggregate classification.

Dr. Peter K. Rogan Lab, Western University
No classification provided (evidence only). Condition: Uterine corpus endometrial carcinoma. Review status: no classification provided. Collection method: in vitro. Allele origin: not applicable. Functional consequence: retained intron. Not counted in ClinVar's aggregate classification.

Dr. Peter K. Rogan Lab, Western University
No classification provided (evidence only). Condition: Uterine corpus endometrial carcinoma. Review status: no classification provided. Collection method: in vitro. Allele origin: not applicable. Functional consequence: retained intron. Not counted in ClinVar's aggregate classification.

Dr. Peter K. Rogan Lab, Western University
No classification provided (evidence only). Condition: Cervical cancer. Review status: no classification provided. Collection method: in vitro. Allele origin: not applicable. Functional consequence: retained intron. Not counted in ClinVar's aggregate classification.

Dr. Peter K. Rogan Lab, Western University
No classification provided (evidence only). Condition: Cervical cancer. Review status: no classification provided. Collection method: in vitro. Allele origin: not applicable. Functional consequence: retained intron. Not counted in ClinVar's aggregate classification.

Dr. Peter K. Rogan Lab, Western University
No classification provided (evidence only). Condition: Cervical cancer. Review status: no classification provided. Collection method: in vitro. Allele origin: not applicable. Functional consequence: retained intron. Not counted in ClinVar's aggregate classification.

Dr. Peter K. Rogan Lab, Western University
No classification provided (evidence only). Condition: Malignant lymphoma, large B-cell, diffuse. Review status: no classification provided. Collection method: in vitro. Allele origin: not applicable. Functional consequence: retained intron. Not counted in ClinVar's aggregate classification.

Dr. Peter K. Rogan Lab, Western University
No classification provided (evidence only). Condition: Thymoma. Review status: no classification provided. Collection method: in vitro. Allele origin: not applicable. Functional consequence: retained intron. Not counted in ClinVar's aggregate classification.

Dr. Peter K. Rogan Lab, Western University
No classification provided (evidence only). Condition: Thymoma. Review status: no classification provided. Collection method: in vitro. Allele origin: not applicable. Functional consequence: retained intron. Not counted in ClinVar's aggregate classification.

Dr. Peter K. Rogan Lab, Western University
No classification provided (evidence only). Condition: Ovarian serous cystadenocarcinoma. Review status: no classification provided. Collection method: in vitro. Allele origin: not applicable. Functional consequence: retained intron. Not counted in ClinVar's aggregate classification.

Dr. Peter K. Rogan Lab, Western University
No classification provided (evidence only). Condition: Ovarian serous cystadenocarcinoma. Review status: no classification provided. Collection method: in vitro. Allele origin: not applicable. Functional consequence: retained intron. Not counted in ClinVar's aggregate classification.

Dr. Peter K. Rogan Lab, Western University
No classification provided (evidence only). Condition: Ovarian serous cystadenocarcinoma. Review status: no classification provided. Collection method: in vitro. Allele origin: not applicable. Functional consequence: retained intron. Not counted in ClinVar's aggregate classification.

Dr. Peter K. Rogan Lab, Western University
No classification provided (evidence only). Condition: Ovarian serous cystadenocarcinoma. Review status: no classification provided. Collection method: in vitro. Allele origin: not applicable. Functional consequence: retained intron. Not counted in ClinVar's aggregate classification.

Dr. Peter K. Rogan Lab, Western University
No classification provided (evidence only). Condition: Ovarian serous cystadenocarcinoma. Review status: no classification provided. Collection method: in vitro. Allele origin: not applicable. Functional consequence: retained intron. Not counted in ClinVar's aggregate classification.

Dr. Peter K. Rogan Lab, Western University
No classification provided (evidence only). Condition: Gastric cancer. Review status: no classification provided. Collection method: in vitro. Allele origin: not applicable. Functional consequence: retained intron. Not counted in ClinVar's aggregate classification.

Dr. Peter K. Rogan Lab, Western University
No classification provided (evidence only). Condition: Familial pancreatic carcinoma. Review status: no classification provided. Collection method: in vitro. Allele origin: not applicable. Functional consequence: retained intron. Not counted in ClinVar's aggregate classification.

Dr. Peter K. Rogan Lab, Western University
No classification provided (evidence only). Condition: Ovarian cancer. Review status: no classification provided. Collection method: in vitro. Allele origin: not applicable. Functional consequence: retained intron. Not counted in ClinVar's aggregate classification.

NM_030916.3(NECTIN4):c.852G>T (p.Arg284=)

Gene: NECTIN4 (nectin cell adhesion molecule 4; minus strand). Cytogenetic location: 1q23.3.
Variant type: single nucleotide variant.
Coding change: c.852G>T on transcript NM_030916.3 (MANE Select); coding-DNA position 852, G replaced by T.
Protein change: p.Arg284=; no amino-acid change (arginine 284 retained).
Molecular consequence: synonymous variant.
Genome position (GRCh38, 1-based): chr1:161,074,759, C>A on the plus strand (G>T on the coding strand, the complement: NECTIN4 is on the minus strand). VCF-style: chr1-161074759-C-A. GRCh37 (hg19) VCF-style: chr1-161044549-C-A.
Other names: c.852G>T (NM_030916.2).
Identifiers: ClinVar variation 1298442 (VCV001298442.43), dbSNP rs151008073, ClinGen allele CA1204974.